The following is an entry in ClinVar:

ClinVar aggregate classification (germline): Uncertain significance. Review status: criteria provided, multiple submitters, no conflicts (2 of 4 stars). 2 submissions from 2 submitters: Uncertain significance (2). Last evaluated 2024-09-01.

Submissions (2):

GeneDx
Classification: Uncertain significance. Last evaluated: 2024-09-01. Review status: criteria provided, single submitter. Criteria: GeneDx Variant Classification Process June 2021. Collection method: clinical testing. Allele origin: germline. Affected: yes.
Comment: Not observed at significant frequency in large population cohorts (gnomAD); In silico analysis indicates that this missense variant does not alter protein structure/function; Has not been previously published as pathogenic or benign to our knowledge

Labcorp Genetics (formerly Invitae), Labcorp
Classification: Uncertain significance. Last evaluated: 2022-03-26. Review status: criteria provided, single submitter. Criteria: Invitae Variant Classification Sherloc (09022015). Collection method: clinical testing. Allele origin: germline.
Comment: In summary, the available evidence is currently insufficient to determine the role of this variant in disease. Therefore, it has been classified as a Variant of Uncertain Significance. Algorithms developed to predict the effect of missense changes on protein structure and function are either unavailable or do not agree on the potential impact of this missense change (SIFT: "Deleterious"; PolyPhen-2: "Not Available"; Align-GVGD: "Class C0"). This variant has not been reported in the literature in individuals affected with KMT2B-related conditions. The frequency data for this variant in the population databases is considered unreliable, as metrics indicate insufficient coverage at this position in the gnomAD database. This sequence change replaces aspartic acid, which is acidic and polar, with asparagine, which is neutral and polar, at codon 64 of the KMT2B protein (p.Asp64Asn).

NM_014727.3(KMT2B):c.190G>A (p.Asp64Asn)

Genes: KMT2B (lysine methyltransferase 2B; plus strand), LOC130064258 (ATAC-STARR-seq lymphoblastoid silent region 10535; plus strand). Cytogenetic location: 19q13.12.
Variant type: single nucleotide variant.
Coding change: c.190G>A on transcript NM_014727.3 (MANE Select); coding-DNA position 190, G replaced by A.
Protein change: p.Asp64Asn; replaces aspartic acid 64 with asparagine.
Molecular consequence: missense variant.
Genome position (GRCh38, 1-based): chr19:35,718,208, G>A. VCF-style: chr19-35718208-G-A. GRCh37 (hg19) VCF-style: chr19-36209110-G-A.
Other names: c.190G>A (NM_014727.2); short protein forms D64N.
Identifiers: ClinVar variation 1974476 (VCV001974476.6), dbSNP rs2513306719, ClinGen allele CA405375003.